The following is an entry in ClinVar:

NM_058216.3(RAD51C):c.401T>C (p.Leu134Ser)

Gene: RAD51C (RAD51 paralog C; plus strand). Cytogenetic location: 17q22.
Variant type: single nucleotide variant.
Coding change: c.401T>C on transcript NM_058216.3 (MANE Select); coding-DNA position 401, T replaced by C.
Protein change: p.Leu134Ser; replaces leucine 134 with serine.
Molecular consequence: missense variant. On other transcripts: non-coding transcript variant (2).
Genome position (GRCh38, 1-based): chr17:58,695,186, T>C. VCF-style: chr17-58695186-T-C. GRCh37 (hg19) VCF-style: chr17-56772547-T-C.
Other names: c.401T>C, p.Leu134Ser (NM_002876.4); short protein forms L134S.
Identifiers: ClinVar variation 538772 (VCV000538772.5), dbSNP rs1233795152, ClinGen allele CA400342097.

ClinVar aggregate classification (germline): Uncertain significance (1 of 4 stars; one submission).

Conditions:
Fanconi anemia complementation group O. Also called: RAD51C-Related Fanconi Anemia. Identifiers: Orphanet 84, MedGen C3150653, MONDO:0013248, OMIM 613390.

Allele frequency attached by ClinVar (database versions not stated): gnomAD exomes below 0.00001.
gnomAD v4.1: 1 of 1,610,496 alleles (0.000062%); highest among the groups gnomAD compares: East Asian, 0.0022%; no homozygotes.

Submission:

Labcorp Genetics (formerly Invitae), Labcorp
Classification: Uncertain significance for Fanconi anemia complementation group O. Last evaluated: 2025-06-08. Review status: criteria provided, single submitter. Criteria: Invitae Variant Classification Sherloc (09022015). Collection method: clinical testing. Allele origin: germline.
Comment: This sequence change replaces leucine, which is neutral and non-polar, with serine, which is neutral and polar, at codon 134 of the RAD51C protein (p.Leu134Ser). This variant is present in population databases (no rsID available, gnomAD 0.006%). This missense change has been observed in individual(s) with clinical features of RAD51C-related conditions (PMID: 36562461). ClinVar contains an entry for this variant (Variation ID: 538772). Invitae Evidence Modeling of protein sequence and biophysical properties (such as structural, functional, and spatial information, amino acid conservation, physicochemical variation, residue mobility, and thermodynamic stability) indicates that this missense variant is expected to disrupt RAD51C protein function with a positive predictive value of 80%. In summary, the available evidence is currently insufficient to determine the role of this variant in disease. Therefore, it has been classified as a Variant of Uncertain Significance.

Literature cited by the submitters: PubMed 36562461.